The following is an entry in ClinVar:

NM_025144.4(ALPK1):c.1969A>G (p.Asn657Asp)

Gene: ALPK1 (alpha kinase 1; plus strand). Cytogenetic location: 4q25.
Variant type: single nucleotide variant.
Coding change: c.1969A>G on transcript NM_025144.4 (MANE Select); coding-DNA position 1969, A replaced by G.
Protein change: p.Asn657Asp; replaces asparagine 657 with aspartic acid.
Molecular consequence: missense variant.
Genome position (GRCh38, 1-based): chr4:112,431,516, A>G. VCF-style: chr4-112431516-A-G. GRCh37 (hg19) VCF-style: chr4-113352672-A-G.
Other names: c.1969A>G, p.Asn657Asp (NM_001102406.2); c.1735A>G, p.Asn579Asp (NM_001253884.2); short protein forms N657D, N579D.
Identifiers: ClinVar variation 3671616 (VCV003671616.2).

ClinVar aggregate classification (germline): Uncertain significance (1 of 4 stars; one submission).

gnomAD v4.1: 1 of 1,614,050 alleles (0.000062%); highest among the groups gnomAD compares: Non-Finnish European, 0.000085%; no homozygotes.

Submission:

Labcorp Genetics (formerly Invitae), Labcorp
Classification: Uncertain significance. Last evaluated: 2025-01-30. Review status: criteria provided, single submitter. Criteria: Invitae Variant Classification Sherloc (09022015). Collection method: clinical testing. Allele origin: germline.
Comment: This sequence change replaces asparagine, which is neutral and polar, with aspartic acid, which is acidic and polar, at codon 657 of the ALPK1 protein (p.Asn657Asp). This variant is present in population databases (no rsID available, gnomAD 0.007%). This variant has not been reported in the literature in individuals affected with ALPK1-related conditions. Invitae Evidence Modeling of protein sequence and biophysical properties (such as structural, functional, and spatial information, amino acid conservation, physicochemical variation, residue mobility, and thermodynamic stability) indicates that this missense variant is not expected to disrupt ALPK1 protein function with a negative predictive value of 80%. In summary, the available evidence is currently insufficient to determine the role of this variant in disease. Therefore, it has been classified as a Variant of Uncertain Significance.